The following is an entry in ClinVar:

ClinVar aggregate classification (germline): Uncertain significance (1 of 4 stars; one submission).

gnomAD v4.1: 6 of 1,614,072 alleles (0.00037%); highest among the groups gnomAD compares: African/African-American, 0.0013%; no homozygotes.

Submission:

GeneDx
Classification: Uncertain significance. Last evaluated: 2024-09-17. Review status: criteria provided, single submitter. Criteria: GeneDx Variant Classification Process June 2021. Collection method: clinical testing. Allele origin: germline. Affected: yes.
Comment: In silico analysis indicates that this missense variant does not alter protein structure/function; Has not been previously published as pathogenic or benign to our knowledge

NM_006885.4(ZFHX3):c.8512G>A (p.Val2838Ile)

Genes: ZFHX3 (zinc finger homeobox 3; minus strand), ZFHX3-AS1 (ZFHX3 antisense RNA 1; plus strand). Cytogenetic location: 16q22.2.
Variant type: single nucleotide variant.
Coding change: c.8512G>A on transcript NM_006885.4 (MANE Select); coding-DNA position 8512, G replaced by A.
Protein change: p.Val2838Ile; replaces valine 2838 with isoleucine.
Molecular consequence: missense variant.
Genome position (GRCh38, 1-based): chr16:72,794,170, C>T on the plus strand (G>A on the coding strand, the complement: ZFHX3 is on the minus strand). VCF-style: chr16-72794170-C-T. GRCh37 (hg19) VCF-style: chr16-72828069-C-T.
Other names: c.5770G>A, p.Val1924Ile (NM_001164766.2); c.8512G>A, p.Val2838Ile (NM_001386735.1); short protein forms V1924I, V2838I.
Identifiers: ClinVar variation 3774088 (VCV003774088.1).